The following is an entry in ClinVar:

NM_000321.3(RB1):c.2522C>T (p.Thr841Ile)

Gene: RB1 (RB transcriptional corepressor 1; plus strand). Cytogenetic location: 13q14.2.
Variant type: single nucleotide variant.
Coding change: c.2522C>T on transcript NM_000321.3 (MANE Select); coding-DNA position 2522, C replaced by T.
Protein change: p.Thr841Ile; replaces threonine 841 with isoleucine.
Molecular consequence: missense variant.
Genome position (GRCh38, 1-based): chr13:48,476,702, C>T. VCF-style: chr13-48476702-C-T. GRCh37 (hg19) VCF-style: chr13-49050838-C-T.
Other names: short protein forms T841I.
Identifiers: ClinVar variation 1057844 (VCV001057844.7), dbSNP rs1358216534, ClinGen allele CA388168183.

ClinVar aggregate classification (germline): Uncertain significance (1 of 4 stars; one submission).

Conditions:
Retinoblastoma (RB1). Also called: RETINOBLASTOMA, SOMATIC. Identifiers: Orphanet 790, MedGen C0035335, MeSH D012175, MONDO:0008380, OMIM 180200, HP:0009919. Disease mechanism: loss of function. Inheritance: Both sporadic and heritable forms are tested..

Allele frequency attached by ClinVar (database versions not stated): gnomAD exomes below 0.00001.
gnomAD v4.1: 3 of 1,612,068 alleles (0.00019%); highest among the groups gnomAD compares: South Asian, 0.0022%; no homozygotes.

Submission:

Labcorp Genetics (formerly Invitae), Labcorp
Classification: Uncertain significance for Retinoblastoma. Last evaluated: 2025-09-10. Review status: criteria provided, single submitter. Criteria: Invitae Variant Classification Sherloc (09022015). Collection method: clinical testing. Allele origin: germline.
Comment: This sequence change replaces threonine, which is neutral and polar, with isoleucine, which is neutral and non-polar, at codon 841 of the RB1 protein (p.Thr841Ile). This variant is present in population databases (no rsID available, gnomAD 0.003%). This variant has not been reported in the literature in individuals affected with RB1-related conditions. ClinVar contains an entry for this variant (Variation ID: 1057844). An algorithm developed to predict the effect of missense changes on protein structure and function (PolyPhen-2) suggests that this variant is likely to be disruptive. In summary, the available evidence is currently insufficient to determine the role of this variant in disease. Therefore, it has been classified as a Variant of Uncertain Significance.